The following is an entry in ClinVar:

NM_001291746.2(REL):c.1018G>A (p.Val340Ile)

Gene: REL (REL proto-oncogene, NF-kB subunit; plus strand). Cytogenetic location: 2p16.1.
Variant type: single nucleotide variant.
Coding change: c.1018G>A on transcript NM_001291746.2 (MANE Select); coding-DNA position 1018, G replaced by A.
Protein change: p.Val340Ile; replaces valine 340 with isoleucine.
Molecular consequence: missense variant.
Genome position (GRCh38, 1-based): chr2:60,921,789, G>A. VCF-style: chr2-60921789-G-A. GRCh37 (hg19) VCF-style: chr2-61148924-G-A.
Other names: c.1114G>A, p.Val372Ile (NM_002908.4); c.1114G>A (NM_002908.2); short protein forms V372I, V340I.
Identifiers: ClinVar variation 2157179 (VCV002157179.2), dbSNP rs747853734, ClinGen allele CA1672412.

ClinVar aggregate classification (germline): Uncertain significance. Review status: criteria provided, multiple submitters, no conflicts (2 of 4 stars). 2 submissions from 2 submitters: Uncertain significance (2). Last evaluated 2023-10-05.

Allele frequency attached by ClinVar (database versions not stated): gnomAD 0.00001; ExAC 0.00002; TOPMed 0.00002; gnomAD exomes 0.00003.
gnomAD v4.1: 43 of 1,612,808 alleles (0.0027%); highest among the groups gnomAD compares: Admixed American, 0.067%; 1 homozygote.

Submissions (2):

Ambry Genetics
Classification: Uncertain significance. Last evaluated: 2023-10-05. Review status: criteria provided, single submitter. Criteria: Ambry Variant Classification Scheme 2023. Collection method: clinical testing. Allele origin: germline.

Labcorp Genetics (formerly Invitae), Labcorp
Classification: Uncertain significance. Last evaluated: 2022-07-29. Review status: criteria provided, single submitter. Criteria: Invitae Variant Classification Sherloc (09022015). Collection method: clinical testing. Allele origin: germline.
Comment: This sequence change replaces valine, which is neutral and non-polar, with isoleucine, which is neutral and non-polar, at codon 372 of the REL protein (p.Val372Ile). This variant is present in population databases (rs747853734, gnomAD 0.01%). This variant has not been reported in the literature in individuals affected with REL-related conditions. Algorithms developed to predict the effect of missense changes on protein structure and function (SIFT, PolyPhen-2, Align-GVGD) all suggest that this variant is likely to be tolerated. Algorithms developed to predict the effect of sequence changes on RNA splicing suggest that this variant may disrupt the consensus splice site. In summary, the available evidence is currently insufficient to determine the role of this variant in disease. Therefore, it has been classified as a Variant of Uncertain Significance.